The following is an entry in ClinVar:

ClinVar aggregate classification (germline): Likely benign (0 of 4 stars; one submission).

Conditions:
PLXNA1-related disorder. Also called: PLXNA1-related condition.

gnomAD v4.1: 31 of 1,600,084 alleles (0.0019%); highest among the groups gnomAD compares: African/African-American, 0.0027%; no homozygotes.

Submission:

PreventionGenetics, part of Exact Sciences
Classification: Likely benign for PLXNA1-related condition. Last evaluated: 2024-04-03. Review status: no assertion criteria provided. Collection method: clinical testing. Allele origin: germline.
Comment: This variant is classified as likely benign based on ACMG/AMP sequence variant interpretation guidelines (Richards et al. 2015 PMID: 25741868, with internal and published modifications).

NM_032242.4(PLXNA1):c.2487A>T (p.Gly829=)

Gene: PLXNA1 (plexin A1; plus strand). Cytogenetic location: 3q21.3.
Variant type: single nucleotide variant.
Coding change: c.2487A>T on transcript NM_032242.4 (MANE Select); coding-DNA position 2487, A replaced by T.
Protein change: p.Gly829=; no amino-acid change (glycine 829 retained).
Molecular consequence: synonymous variant.
Genome position (GRCh38, 1-based): chr3:127,014,258, A>T. VCF-style: chr3-127014258-A-T. GRCh37 (hg19) VCF-style: chr3-126733101-A-T.
Identifiers: ClinVar variation 3351028 (VCV003351028.1).
Genomic context (GRCh38, chr3:127,014,258, plus strand): 5'-CCCGGCCCTGCGCGAGAGCTGCGGCCTCTGCCTCAAGGCCGACCCGCGCTTCGAGTGCGG[A>T]TGGTGCGTGGCCGAGCGCCGCTGCTCCCTGCGACACCACTGCGCTGCCGACACACCTGCA-3'
Protein context (NP_115618.3, residues 819-839): CLKADPRFEC[Gly829=]WCVAERRCSL